The following is an entry in ClinVar:

ClinVar aggregate classification (germline): Pathogenic. Review status: criteria provided, multiple submitters, no conflicts (2 of 4 stars). 7 submissions from 7 submitters: Pathogenic (5). 2 of the submissions do not count toward it. Last evaluated 2026-07-27.

Conditions:
Fetal anomalies with a likely genetic cause.
Primary ciliary dyskinesia. Also called: Ciliary dyskinesia. Identifiers: Orphanet 244, MedGen C0008780, MONDO:0016575, HP:0012265.
Primary ciliary dyskinesia 3. Identifiers: Orphanet 244, MedGen C1837618, MONDO:0012085, OMIM 608644.

Allele frequency attached by ClinVar (database versions not stated): gnomAD exomes below 0.00001; TOPMed below 0.00001.
gnomAD v4.1: 3 of 1,614,080 alleles (0.00019%); highest among the groups gnomAD compares: Non-Finnish European, 0.00025%; no homozygotes.

Submissions (7):

Genetics Laboratory, Great Ormond Street Hospital NHS Foundation Trust, North Thames Genomic Laboratory Hub
Classification: Pathogenic for Fetal anomalies with a likely genetic cause. Last evaluated: 2026-07-27. Review status: criteria provided, single submitter. Criteria: ACGS Best Practice Guidelines for Variant Classification in Rare Disease 2024 v1.2. Collection method: clinical testing. Allele origin: germline. Affected: yes.
Comment: PM2_moderate, PVS1_very-strong, PM3_moderate

Natera, Inc.
Classification: Pathogenic for Primary ciliary dyskinesia. Last evaluated: 2026-01-12. Review status: criteria provided, single submitter. Criteria: Natera Variant Classification Schema (03/2026). Collection method: clinical testing. Allele origin: germline.
Comment: The c.6037C>T variant in DNAH5 is a nonsense variant predicted to introduce a stop codon at amino acid 2013. This variant is expected to result in nonsense mediated decay, truncation, or a dysfunctional protein product. This variant is rare in the general population with a frequency below the threshold expected for the associated phenotype(s). This variant has been observed in one or more individuals affected with the associated recessive disease, as either homozygous or compound heterozygous with a second variant (PMID: 16627867, 30067075). Given the available evidence, this variant is classified as Pathogenic.

Labcorp Genetics (formerly Invitae), Labcorp
Classification: Pathogenic for Primary ciliary dyskinesia. Last evaluated: 2023-08-01. Review status: criteria provided, single submitter. Criteria: Invitae Variant Classification Sherloc (09022015). Collection method: clinical testing. Allele origin: germline.
Comment: For these reasons, this variant has been classified as Pathogenic. ClinVar contains an entry for this variant (Variation ID: 454789). This premature translational stop signal has been observed in individual(s) with primary ciliary dyskinesia (PMID: 16627867). This variant is not present in population databases (gnomAD no frequency). This sequence change creates a premature translational stop signal (p.Arg2013*) in the DNAH5 gene. It is expected to result in an absent or disrupted protein product. Loss-of-function variants in DNAH5 are known to be pathogenic (PMID: 11788826, 16627867).

Ambry Genetics
Classification: Pathogenic for Primary ciliary dyskinesia. Last evaluated: 2016-10-07. Review status: criteria provided, single submitter. Criteria: Ambry Variant Classification Scheme 2023. Collection method: clinical testing. Allele origin: germline.
Comment: The p.R2013* pathogenic mutation (also known as c.6037C>T), located in coding exon 36 of the DNAH5 gene, results from a C to T substitution at nucleotide position 6037. This changes the amino acid from an arginine to a stop codon within coding exon 36. This mutation was identified in a homozygous individual with primary ciliary dyskinesia; both parents were confirmed heterozygous for this alteration (Hornef N et al. Am. J. Respir. Crit. Care Med., 2006 Jul;174:120-6). In addition to the clinical data presented in the literature, this alteration is expected to result in loss of function by premature protein truncation or nonsense-mediated mRNA decay. As such, this alteration is interpreted as a disease-causing mutation.

Biology Pathology Center, Lille University Hospital
Classification: Pathogenic for Primary ciliary dyskinesia 3. Review status: criteria provided, single submitter. Criteria: ACMG Guidelines, 2015. Collection method: clinical testing. Allele origin: paternal. Inheritance: Autosomal recessive inheritance. Affected: yes. Observed: 1 variant allele.

Yale Center for Mendelian Genomics, Yale University
Classification: Likely pathogenic for Primary ciliary dyskinesia. Last evaluated: 2018-08-01. Review status: no assertion criteria provided. Collection method: literature only. Allele origin: germline. Affected: yes. Observed: 1 compound heterozygote. Study: Yale Center for Mendelian Genomics. Not counted in ClinVar's aggregate classification.

Counsyl
Classification: Likely pathogenic for Primary ciliary dyskinesia 3. Last evaluated: 2017-11-27. Review status: no assertion criteria provided. Collection method: clinical testing. Allele origin: unknown. Not counted in ClinVar's aggregate classification.

Literature cited by the submitters: PubMed 16627867 (cited by 4 submitters); PubMed 30067075 (cited by Natera, Inc. and Yale Center for Mendelian Genomics, Yale University); PubMed 11788826 (cited by Labcorp Genetics (formerly Invitae), Labcorp); PubMed 19357118 (cited by Ambry Genetics).

NM_001369.3(DNAH5):c.6037C>T (p.Arg2013Ter)

Gene: DNAH5 (dynein axonemal heavy chain 5; minus strand). Cytogenetic location: 5p15.2.
Variant type: single nucleotide variant.
Coding change: c.6037C>T on transcript NM_001369.3 (MANE Select); coding-DNA position 6037, C replaced by T.
Protein change: p.Arg2013Ter; replaces arginine 2013 with a stop codon.
Molecular consequence: nonsense.
Genome position (GRCh38, 1-based): chr5:13,830,621, G>A on the plus strand (C>T on the coding strand, the complement: DNAH5 is on the minus strand). VCF-style: chr5-13830621-G-A. GRCh37 (hg19) VCF-style: chr5-13830730-G-A.
Other names: short protein forms R2013*.
Identifiers: ClinVar variation 454789 (VCV000454789.24), dbSNP rs1273352530, ClinGen allele CA359202191.